The following is an entry in ClinVar:

ClinVar aggregate classification (germline): Uncertain significance. Review status: criteria provided, multiple submitters, no conflicts (2 of 4 stars). 2 submissions from 2 submitters: Uncertain significance (2). Last evaluated 2026-07-07.

Conditions:
Hereditary cancer-predisposing syndrome. Also called: Neoplastic Syndromes, Hereditary; Hereditary neoplastic syndrome; Hereditary Cancer Syndrome; Tumor predisposition. Identifiers: Orphanet 140162, MedGen C0027672, MeSH D009386, MONDO:0015356.

gnomAD v4.1: 1 of 1,614,020 alleles (0.000062%); no homozygotes.

Submissions (2):

Ambry Genetics
Classification: Uncertain significance for Hereditary cancer-predisposing syndrome. Last evaluated: 2026-07-07. Review status: criteria provided, single submitter. Criteria: Ambry Variant Classification Scheme 2023. Collection method: clinical testing. Allele origin: germline.
Comment: The p.D291Y variant (also known as c.871G>T), located in coding exon 7 of the CDH1 gene, results from a G to T substitution at nucleotide position 871. The aspartic acid at codon 291 is replaced by tyrosine, an amino acid with highly dissimilar properties. This amino acid position is conserved. In addition, the in silico prediction for this alteration is inconclusive. Based on the available evidence, the clinical significance of this variant remains unclear.

GeneDx
Classification: Uncertain significance. Last evaluated: 2016-06-13. Review status: criteria provided, single submitter. Criteria: GeneDx Variant Classification (06012015). Collection method: clinical testing. Allele origin: germline. Affected: yes.
Comment: This variant is denoted CDH1 c.871G>T at the cDNA level, p.Asp291Tyr (D291Y) at the protein level, and results in the change of an Aspartic Acid to a Tyrosine (GAT>TAT). This variant has not, to our knowledge, been published in the literature as pathogenic or benign. CDH1 Asp291Tyr was not observed in approximately 6,500 individuals of European and African American ancestry in the NHLBI Exome Sequencing Project, suggesting it is not a common benign variant in these populations. Since Aspartic Acid and Tyrosine differ in polarity, charge, size or other properties, this is considered a non-conservative amino acid substitution. CDH1 Asp291Tyr occurs at a position where amino acids with properties similar to Aspartic Acid are tolerated across species and is located in the extracellular and Cadherin 2 domains (Figueiredo 2013, UniProt). In silico analyses predict that this variant is probably damaging to protein structure and function. Based on currently available evidence, it is unclear whether CDH1 Asp291Tyr is a pathogenic or benign variant. We consider it to be a variant of uncertain significance.

NM_004360.5(CDH1):c.871G>T (p.Asp291Tyr)

Gene: CDH1 (cadherin 1; plus strand). Cytogenetic location: 16q22.1.
Variant type: single nucleotide variant.
Coding change: c.871G>T on transcript NM_004360.5 (MANE Select); coding-DNA position 871, G replaced by T.
Protein change: p.Asp291Tyr; replaces aspartic acid 291 with tyrosine.
Molecular consequence: missense variant. On other transcripts: 5 prime UTR variant (2).
Genome position (GRCh38, 1-based): chr16:68,811,722, G>T. VCF-style: chr16-68811722-G-T. GRCh37 (hg19) VCF-style: chr16-68845625-G-T.
Other names: c.871G>T (LRG_301t1); c.871G>T, p.Asp291Tyr (NM_001317184.2); c.-745G>T (NM_001317185.2); c.-949G>T (NM_001317186.2); short protein forms D291Y.
Identifiers: ClinVar variation 421406 (VCV000421406.3), dbSNP rs876660645, ClinGen allele CA16620243.